The following is an entry in ClinVar:

NM_000111.3(SLC26A3):c.1793T>A (p.Val598Asp)

Gene: SLC26A3 (solute carrier family 26 member 3; minus strand). Cytogenetic location: 7q22.3.
Variant type: single nucleotide variant.
Coding change: c.1793T>A on transcript NM_000111.3 (MANE Select); coding-DNA position 1793, T replaced by A.
Protein change: p.Val598Asp; replaces valine 598 with aspartic acid.
Molecular consequence: missense variant.
Genome position (GRCh38, 1-based): chr7:107,774,134, A>T on the plus strand (T>A on the coding strand, the complement: SLC26A3 is on the minus strand). VCF-style: chr7-107774134-A-T. GRCh37 (hg19) VCF-style: chr7-107414579-A-T.
Other names: short protein forms V598D.
Identifiers: ClinVar variation 1016490 (VCV001016490.8), dbSNP rs1794071234, ClinGen allele CA368850428.

ClinVar aggregate classification (germline): Uncertain significance (1 of 4 stars; one submission).

Submission:

Labcorp Genetics (formerly Invitae), Labcorp
Classification: Uncertain significance. Last evaluated: 2022-06-13. Review status: criteria provided, single submitter. Criteria: Invitae Variant Classification Sherloc (09022015). Collection method: clinical testing. Allele origin: germline.
Comment: In summary, the available evidence is currently insufficient to determine the role of this variant in disease. Therefore, it has been classified as a Variant of Uncertain Significance. Advanced modeling of protein sequence and biophysical properties (such as structural, functional, and spatial information, amino acid conservation, physicochemical variation, residue mobility, and thermodynamic stability) performed at Invitae indicates that this missense variant is not expected to disrupt SLC26A3 protein function. ClinVar contains an entry for this variant (Variation ID: 1016490). This variant has not been reported in the literature in individuals affected with SLC26A3-related conditions. This variant is not present in population databases (gnomAD no frequency). This sequence change replaces valine, which is neutral and non-polar, with aspartic acid, which is acidic and polar, at codon 598 of the SLC26A3 protein (p.Val598Asp).